The following is an entry in ClinVar:

ClinVar aggregate classification (germline): Uncertain significance. Review status: criteria provided, multiple submitters, no conflicts (2 of 4 stars). 2 submissions from 2 submitters: Uncertain significance (2). Last evaluated 2024-11-19.

Conditions:
Inborn genetic diseases. Identifiers: MedGen C0950123, MeSH D030342.
Hereditary spastic paraplegia 28. Also called: Spastic paraplegia 28, autosomal recessive. Identifiers: Orphanet 101008, MedGen C1836295, MONDO:0012256, OMIM 609340.

Allele frequency attached by ClinVar (database versions not stated): gnomAD 0.00004; gnomAD exomes 0.00004; ESP Exome Variant Server 0.00008; ExAC 0.00009.
gnomAD v4.1: 66 of 1,607,694 alleles (0.0041%); highest among the groups gnomAD compares: Non-Finnish European, 0.0052%; no homozygotes.

Submissions (2):

Labcorp Genetics (formerly Invitae), Labcorp
Classification: Uncertain significance for Hereditary spastic paraplegia 28. Last evaluated: 2024-11-19. Review status: criteria provided, single submitter. Criteria: Invitae Variant Classification Sherloc (09022015). Collection method: clinical testing. Allele origin: germline.
Comment: This sequence change replaces tyrosine, which is neutral and polar, with cysteine, which is neutral and slightly polar, at codon 103 of the DDHD1 protein (p.Tyr103Cys). This variant is present in population databases (rs375480208, gnomAD 0.01%). This variant has not been reported in the literature in individuals affected with DDHD1-related conditions. ClinVar contains an entry for this variant (Variation ID: 3080725). An algorithm developed to predict the effect of missense changes on protein structure and function (PolyPhen-2) suggests that this variant is likely to be disruptive. In summary, the available evidence is currently insufficient to determine the role of this variant in disease. Therefore, it has been classified as a Variant of Uncertain Significance.

Ambry Genetics
Classification: Uncertain significance for Inborn genetic diseases. Last evaluated: 2023-12-14. Review status: criteria provided, single submitter. Criteria: Ambry Variant Classification Scheme 2023. Collection method: clinical testing. Allele origin: germline.

NM_001160148.2(DDHD1):c.308A>G (p.Tyr103Cys)

Gene: DDHD1 (DDHD domain containing 1; minus strand). Cytogenetic location: 14q22.1.
Variant type: single nucleotide variant.
Coding change: c.308A>G on transcript NM_001160148.2 (MANE Select); coding-DNA position 308, A replaced by G.
Protein change: p.Tyr103Cys; replaces tyrosine 103 with cysteine.
Molecular consequence: missense variant.
Genome position (GRCh38, 1-based): chr14:53,152,791, T>C on the plus strand (A>G on the coding strand, the complement: DDHD1 is on the minus strand). VCF-style: chr14-53152791-T-C. GRCh37 (hg19) VCF-style: chr14-53619509-T-C.
Other names: c.308A>G, p.Tyr103Cys (NM_001160147.2, NM_030637.3); short protein forms Y103C.
Identifiers: ClinVar variation 3080725 (VCV003080725.2), dbSNP rs375480208, ClinGen allele CA7191543.